The following is an entry in ClinVar:

NM_002267.4(KPNA3):c.500G>T (p.Arg167Leu)

Gene: KPNA3 (karyopherin subunit alpha 3; minus strand). Cytogenetic location: 13q14.2.
Variant type: single nucleotide variant.
Coding change: c.500G>T on transcript NM_002267.4 (MANE Select); coding-DNA position 500, G replaced by T.
Protein change: p.Arg167Leu; replaces arginine 167 with leucine.
Molecular consequence: missense variant.
Genome position (GRCh38, 1-based): chr13:49,722,533, C>A on the plus strand (G>T on the coding strand, the complement: KPNA3 is on the minus strand). VCF-style: chr13-49722533-C-A. GRCh37 (hg19) VCF-style: chr13-50296669-C-A.
Other names: short protein forms R167L.
Identifiers: ClinVar variation 5020496 (VCV005020496.1).

ClinVar aggregate classification (germline): Uncertain significance (1 of 4 stars; one submission).

gnomAD v4.1: 1 of 1,609,528 alleles (0.000062%); highest among the groups gnomAD compares: African/African-American, 0.0013%; no homozygotes.

Submission:

Dasa
Classification: Uncertain significance. Last evaluated: 2026-05-25. Review status: criteria provided, single submitter. Criteria: DASA Assertion Criteria. Collection method: clinical testing. Allele origin: germline.
Comment: NM_002267.4(KPNA3):c.500G>T (p.Arg167Leu) is a missense variant that results in the substitution of arginine with leucine. This variant is rare in population databases. Computational prediction algorithms are consistent with a benign effect. The currently available literature and clinical evidence are not sufficient to establish a definitive association between this variant and the reported condition. Therefore, this variant is classified as a variant of uncertain significance.